The following is an entry in ClinVar:

ClinVar aggregate classification (germline): Pathogenic/Likely pathogenic. Review status: criteria provided, multiple submitters, no conflicts (2 of 4 stars). 2 submissions from 2 submitters: Pathogenic (1); Likely pathogenic (1). Last evaluated 2024-08-21.

Conditions:
Ethylmalonic encephalopathy (EE). Also called: Syndrome of encephalopathy, petechiae, and ethylmalonic aciduria; EPEMA syndrome; Encephalopathy, petechiae, and ethylmalonic aciduria. Identifiers: Orphanet 51188, MedGen C1865349, MONDO:0011229, OMIM 602473. Disease mechanism: loss of function.

Submissions (2):

Natera, Inc.
Classification: Likely pathogenic for Ethylmalonic encephalopathy. Last evaluated: 2024-08-21. Review status: criteria provided, single submitter. Criteria: Natera Variant Classification Schema (03/2026). Collection method: clinical testing. Allele origin: germline.
Comment: The c.189del variant in ETHE1 is a frameshift variant predicted to shift the reading frame beginning at codon 63 and leads to a stop codon 2 codons downstream. This variant is expected to result in nonsense mediated decay, truncation, or a dysfunctional protein product. This variant is rare in the general population with a frequency below the threshold expected for the associated phenotype(s). Given the available evidence, this variant is classified as Likely Pathogenic.

Labcorp Genetics (formerly Invitae), Labcorp
Classification: Pathogenic for Ethylmalonic encephalopathy. Last evaluated: 2023-11-20. Review status: criteria provided, single submitter. Criteria: Invitae Variant Classification Sherloc (09022015). Collection method: clinical testing. Allele origin: germline.
Comment: This sequence change creates a premature translational stop signal (p.Gln63Hisfs*2) in the ETHE1 gene. It is expected to result in an absent or disrupted protein product. Loss-of-function variants in ETHE1 are known to be pathogenic (PMID: 14732903, 19136963). This variant is not present in population databases (gnomAD no frequency). This variant has not been reported in the literature in individuals affected with ETHE1-related conditions. ClinVar contains an entry for this variant (Variation ID: 1460169). For these reasons, this variant has been classified as Pathogenic.

Literature cited by the submitters: PubMed 14732903 (cited by Labcorp Genetics (formerly Invitae), Labcorp); PubMed 19136963 (cited by Labcorp Genetics (formerly Invitae), Labcorp).

NM_014297.5(ETHE1):c.189del (p.Gln63fs)

Gene: ETHE1 (ETHE1 persulfide dioxygenase; minus strand). Cytogenetic location: 19q13.31.
Variant type: Deletion.
Coding change: c.189del on transcript NM_014297.5 (MANE Select); coding-DNA position 189, one base deleted (G; older notation c.189delG).
Protein change: p.Gln63fs; shifts the reading frame from glutamine 63.
Molecular consequence: frameshift variant. On other transcripts: 5 prime UTR variant (1), intron variant (1).
Genome position (GRCh38, 1-based): chr19:43,526,552, C deleted on the plus strand (G on the coding strand, the reverse complement: ETHE1 is on the minus strand). VCF-style (leftmost placement, unchanged base first): chr19-43526551-GC-G. GRCh37 (hg19) VCF-style: chr19-44030703-GC-G.
Other names: c.189del, p.Gln63fs (NM_001320867.2); c.-32del (NM_001320868.2); c.81+545del (NM_001320869.2); c.189del (NM_014297.4); short protein forms Q63fs.
Identifiers: ClinVar variation 1460169 (VCV001460169.7), dbSNP rs2146019689, ClinGen allele CA2573156465.